The following is an entry in ClinVar:

NM_001370259.2(MEN1):c.1585C>T (p.Pro529Ser)

Gene: MEN1 (menin 1; minus strand). Cytogenetic location: 11q13.1.
Variant type: single nucleotide variant.
Coding change: c.1585C>T on transcript NM_001370259.2 (MANE Select); coding-DNA position 1585, C replaced by T.
Protein change: p.Pro529Ser; replaces proline 529 with serine.
Molecular consequence: missense variant.
Genome position (GRCh38, 1-based): chr11:64,804,582, G>A on the plus strand (C>T on the coding strand, the complement: MEN1 is on the minus strand). VCF-style: chr11-64804582-G-A. GRCh37 (hg19) VCF-style: chr11-64572054-G-A.
Other names: c.1600C>T, p.Pro534Ser (NM_000244.4, NM_130800.3, NM_130801.3 and 3 more transcripts); c.1711C>T, p.Pro571Ser (NM_001370251.2); c.1585C>T, p.Pro529Ser (NM_001370260.2, NM_001370261.2, NM_130799.3); c.1480C>T, p.Pro494Ser (NM_001370262.2, NM_001370263.2); short protein forms P571S, P529S, P494S, P534S.
Identifiers: ClinVar variation 819603 (VCV000819603.6), dbSNP rs1592631192, ClinGen allele CA381178319.
Genomic context (GRCh38, chr11:64,804,582, plus strand): 5'-GACCCTCCGGCGGTGGTGATGCTGTGGGTGCTGGCACCTGAGCCGTGCTGCCACCTTCAG[G>A]GCCTCGGGCTGTGCCAGCGACAGTCCCAGGAGGCTTCCGGGGGGGTCCTGACACTGCACC-3'
Protein context (NP_001357188.2, residues 519-539): PGTVAGTARG[Pro529Ser]EGGSTAQVPA

ClinVar aggregate classification (germline): Uncertain significance. Review status: criteria provided, multiple submitters, no conflicts (2 of 4 stars). 2 submissions from 2 submitters: Uncertain significance (2). Last evaluated 2025-02-06.

Conditions:
Multiple endocrine neoplasia, type 1 (MEN1). Also called: MEN I; WERMER SYNDROME; Endocrine adenomatosis multiple; MEN 1; MEA I. Identifiers: Orphanet 652, MedGen C0025267, MeSH D018761, MONDO:0007540, OMIM 131100.
Hereditary cancer-predisposing syndrome. Also called: Hereditary Cancer Syndrome; Neoplastic Syndromes, Hereditary; Hereditary neoplastic syndrome; Tumor predisposition. Identifiers: Orphanet 140162, MedGen C0027672, MeSH D009386, MONDO:0015356.

Submissions (2):

Labcorp Genetics (formerly Invitae), Labcorp
Classification: Uncertain significance for Multiple endocrine neoplasia, type 1. Last evaluated: 2025-02-06. Review status: criteria provided, single submitter. Criteria: Invitae Variant Classification Sherloc (09022015). Collection method: clinical testing. Allele origin: germline.
Comment: This sequence change replaces proline, which is neutral and non-polar, with serine, which is neutral and polar, at codon 529 of the MEN1 protein (p.Pro529Ser). This variant is not present in population databases (gnomAD no frequency). This variant has not been reported in the literature in individuals affected with MEN1-related conditions. ClinVar contains an entry for this variant (Variation ID: 819603). Invitae Evidence Modeling of protein sequence and biophysical properties (such as structural, functional, and spatial information, amino acid conservation, physicochemical variation, residue mobility, and thermodynamic stability) indicates that this missense variant is not expected to disrupt MEN1 protein function with a negative predictive value of 95%. In summary, the available evidence is currently insufficient to determine the role of this variant in disease. Therefore, it has been classified as a Variant of Uncertain Significance.

Ambry Genetics
Classification: Uncertain significance for Hereditary cancer-predisposing syndrome. Last evaluated: 2019-10-29. Review status: criteria provided, single submitter. Criteria: Ambry Variant Classification Scheme 2023. Collection method: clinical testing. Allele origin: germline.
Comment: The p.P529S variant (also known as c.1585C>T), located in coding exon 9 of the MEN1 gene, results from a C to T substitution at nucleotide position 1585. The proline at codon 529 is replaced by serine, an amino acid with similar properties. This amino acid position is well conserved in available vertebrate species. In addition, the in silico prediction for this alteration is inconclusive. Since supporting evidence is limited at this time, the clinical significance of this alteration remains unclear.